The following is an entry in ClinVar:

ClinVar aggregate classification (germline): Uncertain significance (1 of 4 stars; one submission).

Conditions:
Neuroferritinopathy (NBIA3). Also called: NEURODEGENERATION WITH BRAIN IRON ACCUMULATION 3; BASAL GANGLIA DISEASE, ADULT-ONSET. Identifiers: Orphanet 157846, MedGen C1853578, MONDO:0011638, OMIM 606159.
Hereditary hyperferritinemia with congenital cataracts. Also called: Hereditary hyperferritinemia cataract syndrome; Bonneau-Beaumont syndrome; HYPERFERRITINEMIA WITH OR WITHOUT CATARACT. Identifiers: Orphanet 163, MedGen C1833213, MONDO:0010952, OMIM 600886.

Submission:

Labcorp Genetics (formerly Invitae), Labcorp
Classification: Uncertain significance for Neuroferritinopathy; Hereditary hyperferritinemia with congenital cataracts. Last evaluated: 2025-01-22. Review status: criteria provided, single submitter. Criteria: Invitae Variant Classification Sherloc (09022015). Collection method: clinical testing. Allele origin: germline.
Comment: This sequence change replaces aspartic acid, which is acidic and polar, with glycine, which is neutral and non-polar, at codon 81 of the FTL protein (p.Asp81Gly). This variant is not present in population databases (gnomAD no frequency). This variant has not been reported in the literature in individuals affected with FTL-related conditions. An algorithm developed to predict the effect of missense changes on protein structure and function (PolyPhen-2) suggests that this variant is likely to be tolerated. In summary, the available evidence is currently insufficient to determine the role of this variant in disease. Therefore, it has been classified as a Variant of Uncertain Significance.

NM_000146.4(FTL):c.242A>G (p.Asp81Gly)

Gene: FTL (ferritin light chain; plus strand). Cytogenetic location: 19q13.33.
Variant type: single nucleotide variant.
Coding change: c.242A>G on transcript NM_000146.4 (MANE Select); coding-DNA position 242, A replaced by G.
Protein change: p.Asp81Gly; replaces aspartic acid 81 with glycine.
Molecular consequence: missense variant.
Genome position (GRCh38, 1-based): chr19:48,965,909, A>G. VCF-style: chr19-48965909-A-G. GRCh37 (hg19) VCF-style: chr19-49469166-A-G.
Other names: short protein forms D81G.
Identifiers: ClinVar variation 3750602 (VCV003750602.2).